The following is an entry in ClinVar:

ClinVar aggregate classification (germline): Likely benign. Review status: criteria provided, multiple submitters, no conflicts (2 of 4 stars). 4 submissions from 4 submitters: Likely benign (4). Last evaluated 2025-09-25.

Conditions:
Marfan syndrome (MFS). Also called: Marfan syndrome, classic; MARFAN SYNDROME, TYPE I; Marfan syndrome type 1; Marfan's syndrome; FBN1-Related Marfan Syndrome. Identifiers: Orphanet 284963, Orphanet 558, MedGen C0024796, MONDO:0007947, OMIM 154700.
Familial thoracic aortic aneurysm and aortic dissection (TAAD). Also called: Thoracic aortic aneurysms and dissections. Identifiers: Orphanet 91387, MedGen C4707243, MONDO:0019625.

Allele frequency attached by ClinVar (database versions not stated): gnomAD exomes below 0.00001; TOPMed 0.00002; gnomAD 0.00002 and 0.00003.
gnomAD v4.1: 9 of 1,613,304 alleles (0.00056%); highest among the groups gnomAD compares: African/African-American, 0.0067%; no homozygotes.

Submissions (4):

Labcorp Genetics (formerly Invitae), Labcorp
Classification: Likely benign for Marfan syndrome; Familial thoracic aortic aneurysm and aortic dissection. Last evaluated: 2025-09-25. Review status: criteria provided, single submitter. Criteria: Invitae Variant Classification Sherloc (09022015). Collection method: clinical testing. Allele origin: germline.

Blueprint Genetics
Classification: Likely benign. Last evaluated: 2024-08-26. Review status: criteria provided, single submitter. Criteria: ACMG Guidelines, 2015. Collection method: clinical testing. Allele origin: germline.

All of Us Research Program, National Institutes of Health
Classification: Likely benign for Marfan syndrome. Last evaluated: 2023-12-13. Review status: criteria provided, single submitter. Criteria: ACMG Guidelines, 2015. Collection method: clinical testing. Allele origin: germline. Inheritance: Autosomal dominant inheritance. Observed: 1 variant allele, 1 heterozygote.
Comment: This study involves interpretation of variants in research participants for the purpose of population health screening. Participant phenotype was not available at the time of variant classification. Additional details can be found in publication PMID: 35346344, PMCID: PMC8962531

Color Diagnostics, LLC DBA Color Health
Classification: Likely benign for Familial thoracic aortic aneurysm and aortic dissection. Last evaluated: 2023-11-15. Review status: criteria provided, single submitter. Criteria: ACMG Guidelines, 2015. Collection method: clinical testing. Allele origin: germline.

NM_000138.5(FBN1):c.2855-10C>T

Gene: FBN1 (fibrillin 1; minus strand). Cytogenetic location: 15q21.1.
Variant type: single nucleotide variant.
Coding change: c.2855-10C>T on transcript NM_000138.5 (MANE Select); 10 bases into the intron before coding-DNA position 2855, C replaced by T.
Molecular consequence: intron variant.
Genome position (GRCh38, 1-based): chr15:48,490,088, G>A on the plus strand (C>T on the coding strand, the complement: FBN1 is on the minus strand). VCF-style: chr15-48490088-G-A. GRCh37 (hg19) VCF-style: chr15-48782285-G-A.
Identifiers: ClinVar variation 1583839 (VCV001583839.11), dbSNP rs1044021136, ClinGen allele CA269533820.